The following is an entry in ClinVar:

NM_000075.4(CDK4):c.626G>T (p.Arg209Leu)

Gene: CDK4 (cyclin dependent kinase 4; minus strand). Cytogenetic location: 12q14.1.
Variant type: single nucleotide variant.
Coding change: c.626G>T on transcript NM_000075.4 (MANE Select); coding-DNA position 626, G replaced by T.
Protein change: p.Arg209Leu; replaces arginine 209 with leucine.
Molecular consequence: missense variant.
Genome position (GRCh38, 1-based): chr12:57,750,662, C>A on the plus strand (G>T on the coding strand, the complement: CDK4 is on the minus strand). VCF-style: chr12-57750662-C-A. GRCh37 (hg19) VCF-style: chr12-58144445-C-A.
Other names: short protein forms R209L.
Identifiers: ClinVar variation 4868605 (VCV004868605.1).

ClinVar aggregate classification (germline): Uncertain significance (1 of 4 stars; one submission).

Conditions:
Hereditary cancer-predisposing syndrome. Also called: Neoplastic Syndromes, Hereditary; Tumor predisposition; Hereditary Cancer Syndrome; Hereditary neoplastic syndrome. Identifiers: Orphanet 140162, MedGen C0027672, MeSH D009386, MONDO:0015356.

Submission:

Ambry Genetics
Classification: Uncertain significance for Hereditary cancer-predisposing syndrome. Last evaluated: 2026-05-08. Review status: criteria provided, single submitter. Criteria: Ambry Variant Classification Scheme 2023. Collection method: clinical testing. Allele origin: germline.
Comment: The p.R209L variant (also known as c.626G>T), located in coding exon 4 of the CDK4 gene, results from a G to T substitution at nucleotide position 626. The arginine at codon 209 is replaced by leucine, an amino acid with dissimilar properties. This amino acid position is highly conserved in available vertebrate species. In addition, the in silico prediction for this alteration is inconclusive. Based on the available evidence, the clinical significance of this variant remains unclear.